The following is an entry in ClinVar:

NM_018122.5(DARS2):c.512T>C (p.Leu171Ser)

Gene: DARS2 (aspartyl-tRNA synthetase 2, mitochondrial; plus strand). Cytogenetic location: 1q25.1.
Variant type: single nucleotide variant.
Coding change: c.512T>C on transcript NM_018122.5 (MANE Select); coding-DNA position 512, T replaced by C.
Protein change: p.Leu171Ser; replaces leucine 171 with serine.
Molecular consequence: missense variant.
Genome position (GRCh38, 1-based): chr1:173,833,395, T>C. VCF-style: chr1-173833395-T-C. GRCh37 (hg19) VCF-style: chr1-173802533-T-C.
Other names: c.512T>C, p.Leu171Ser (NM_001365212.1, NM_001365213.2); short protein forms L171S.
Identifiers: ClinVar variation 1470128 (VCV001470128.6), dbSNP rs2102641219, ClinGen allele CA343759653.

ClinVar aggregate classification (germline): Uncertain significance (1 of 4 stars; one submission).

Submission:

Labcorp Genetics (formerly Invitae), Labcorp
Classification: Uncertain significance. Last evaluated: 2024-02-23. Review status: criteria provided, single submitter. Criteria: Invitae Variant Classification Sherloc (09022015). Collection method: clinical testing. Allele origin: germline.
Comment: This sequence change replaces leucine, which is neutral and non-polar, with serine, which is neutral and polar, at codon 171 of the DARS2 protein (p.Leu171Ser). This variant is not present in population databases (gnomAD no frequency). This variant has not been reported in the literature in individuals affected with DARS2-related conditions. ClinVar contains an entry for this variant (Variation ID: 1470128). Advanced modeling of protein sequence and biophysical properties (such as structural, functional, and spatial information, amino acid conservation, physicochemical variation, residue mobility, and thermodynamic stability) performed at Invitae indicates that this missense variant is expected to disrupt DARS2 protein function with a positive predictive value of 80%. In summary, the available evidence is currently insufficient to determine the role of this variant in disease. Therefore, it has been classified as a Variant of Uncertain Significance.